The following is an entry in ClinVar:

ClinVar aggregate classification (germline): Uncertain significance (1 of 4 stars; one submission).

Allele frequency attached by ClinVar (database versions not stated): gnomAD exomes below 0.00001.
gnomAD v4.1: 3 of 1,611,308 alleles (0.00019%); highest among the groups gnomAD compares: Non-Finnish European, 0.00025%; no homozygotes.

Submission:

GeneDx
Classification: Uncertain significance. Last evaluated: 2023-04-13. Review status: criteria provided, single submitter. Criteria: GeneDx Variant Classification Process June 2021. Collection method: clinical testing. Allele origin: germline. Affected: yes.
Comment: Not observed at significant frequency in large population cohorts (gnomAD); In silico analysis supports that this missense variant has a deleterious effect on protein structure/function; Has not been previously published as pathogenic or benign to our knowledge

NM_021096.4(CACNA1I):c.5624A>G (p.Glu1875Gly)

Gene: CACNA1I (calcium voltage-gated channel subunit alpha1 I; plus strand). Cytogenetic location: 22q13.1.
Variant type: single nucleotide variant.
Coding change: c.5624A>G on transcript NM_021096.4 (MANE Select); coding-DNA position 5624, A replaced by G.
Protein change: p.Glu1875Gly; replaces glutamic acid 1875 with glycine.
Molecular consequence: missense variant.
Genome position (GRCh38, 1-based): chr22:39,681,012, A>G. VCF-style: chr22-39681012-A-G. GRCh37 (hg19) VCF-style: chr22-40077017-A-G.
Other names: c.5519A>G, p.Glu1840Gly (NM_001003406.2); short protein forms E1840G, E1875G.
Identifiers: ClinVar variation 2663206 (VCV002663206.1), dbSNP rs2518202774, ClinGen allele CA411640084.